The following is an entry in ClinVar:

NM_000552.5(VWF):c.1643A>G (p.Asp548Gly)

Gene: VWF (von Willebrand factor; minus strand). Cytogenetic location: 12p13.31.
Variant type: single nucleotide variant.
Coding change: c.1643A>G on transcript NM_000552.5 (MANE Select); coding-DNA position 1643, A replaced by G.
Protein change: p.Asp548Gly; replaces aspartic acid 548 with glycine.
Molecular consequence: missense variant.
Genome position (GRCh38, 1-based): chr12:6,057,935, T>C on the plus strand (A>G on the coding strand, the complement: VWF is on the minus strand). VCF-style: chr12-6057935-T-C. GRCh37 (hg19) VCF-style: chr12-6167101-T-C.
Other names: short protein forms D548G.
Identifiers: ClinVar variation 3980520 (VCV003980520.2).

ClinVar aggregate classification (germline): Uncertain significance. Review status: criteria provided, multiple submitters, no conflicts (2 of 4 stars). 2 submissions from 2 submitters: Uncertain significance (2). Last evaluated 2026-02-26.

Conditions:
Inborn genetic diseases. Identifiers: MedGen C0950123, MeSH D030342.

gnomAD v4.1: 4 of 1,613,662 alleles (0.00025%); highest among the groups gnomAD compares: East Asian, 0.0045%; no homozygotes.

Submissions (2):

Women's Health and Genetics/Laboratory Corporation of America, LabCorp
Classification: Uncertain significance. Last evaluated: 2026-02-26. Review status: criteria provided, single submitter. Criteria: LabCorp Variant Classification Summary - May 2015. Collection method: clinical testing. Allele origin: germline.
Comment: Variant summary: VWF c.1643A>G (p.Asp548Gly) results in a non-conservative amino acid change located in a cysteine-rich domain (IPR014853) within the propeptide region (PMID: 20409624) of the encoded protein sequence. Algorithms developed to predict the effect of missense changes on protein structure and function are either unavailable or do not agree on the potential impact of this missense change. The variant allele was found at a frequency of 2.5e-06 in 1606692 control chromosomes (gnomAD). The available data on variant occurrences in the general population are insufficient to allow any conclusion about variant significance. To our knowledge, no occurrence of c.1643A>G in individuals affected with VWF-related conditions and no experimental evidence demonstrating its impact on protein function have been reported. ClinVar contains an entry for this variant (Variation ID: 3980520). Based on the evidence outlined above, the variant was classified as uncertain significance.

Ambry Genetics
Classification: Uncertain significance for Inborn genetic diseases. Last evaluated: 2025-05-19. Review status: criteria provided, single submitter. Criteria: Ambry Variant Classification Scheme 2023. Collection method: clinical testing. Allele origin: germline.